The following is an entry in ClinVar:

NM_017841.4(SDHAF2):c.224G>A (p.Arg75Lys)

Gene: SDHAF2 (succinate dehydrogenase complex assembly factor 2; plus strand). Cytogenetic location: 11q12.2.
Variant type: single nucleotide variant.
Coding change: c.224G>A on transcript NM_017841.4 (MANE Select); coding-DNA position 224, G replaced by A.
Protein change: p.Arg75Lys; replaces arginine 75 with lysine.
Molecular consequence: missense variant.
Genome position (GRCh38, 1-based): chr11:61,437,812, G>A. VCF-style: chr11-61437812-G-A. GRCh37 (hg19) VCF-style: chr11-61205284-G-A.
Other names: short protein forms R75K.
Identifiers: ClinVar variation 2706576 (VCV002706576.4), dbSNP rs2540124404, ClinGen allele CA380683741.

ClinVar aggregate classification (germline): Uncertain significance. Review status: criteria provided, multiple submitters, no conflicts (2 of 4 stars). 2 submissions from 2 submitters: Uncertain significance (2). Last evaluated 2026-07-07.

Conditions:
Hereditary pheochromocytoma and paraganglioma. Also called: Hereditary Paraganglioma-Pheochromocytoma Syndromes; Hereditary pheochromocytoma-paraganglioma; Hereditary paragangliomas and pheochromocytomas. Identifiers: Orphanet 29072, MedGen C4274332, MONDO:0017366.
Hereditary cancer-predisposing syndrome. Also called: Hereditary neoplastic syndrome; Hereditary Cancer Syndrome; Neoplastic Syndromes, Hereditary; Tumor predisposition. Identifiers: Orphanet 140162, MedGen C0027672, MeSH D009386, MONDO:0015356.

Submissions (2):

Ambry Genetics
Classification: Uncertain significance for Hereditary cancer-predisposing syndrome. Last evaluated: 2026-07-07. Review status: criteria provided, single submitter. Criteria: Ambry Variant Classification Scheme 2023. Collection method: clinical testing. Allele origin: germline.
Comment: The p.R75K variant (also known as c.224G>A), located in coding exon 2 of the SDHAF2 gene, results from a G to A substitution at nucleotide position 224. The arginine at codon 75 is replaced by lysine, an amino acid with highly similar properties. This amino acid position is conserved. In addition, the in silico prediction for this alteration is inconclusive. Based on the available evidence, the clinical significance of this variant remains unclear.

Labcorp Genetics (formerly Invitae), Labcorp
Classification: Uncertain significance for Hereditary pheochromocytoma and paraganglioma. Last evaluated: 2023-12-30. Review status: criteria provided, single submitter. Criteria: Invitae Variant Classification Sherloc (09022015). Collection method: clinical testing. Allele origin: germline.
Comment: This sequence change replaces arginine, which is basic and polar, with lysine, which is basic and polar, at codon 75 of the SDHAF2 protein (p.Arg75Lys). This variant is not present in population databases (gnomAD no frequency). This variant has not been reported in the literature in individuals affected with SDHAF2-related conditions. An algorithm developed to predict the effect of missense changes on protein structure and function (PolyPhen-2) suggests that this variant is likely to be disruptive. In summary, the available evidence is currently insufficient to determine the role of this variant in disease. Therefore, it has been classified as a Variant of Uncertain Significance.